The following is an entry in ClinVar:

ClinVar aggregate classification (germline): Uncertain significance (1 of 4 stars; one submission).

Submission:

GeneDx
Classification: Uncertain significance. Last evaluated: 2022-07-08. Review status: criteria provided, single submitter. Criteria: GeneDx Variant Classification Process June 2021. Collection method: clinical testing. Allele origin: germline. Affected: yes.
Comment: Not observed at significant frequency in large population cohorts (gnomAD); In silico analysis supports that this missense variant has a deleterious effect on protein structure/function; Has not been previously published as pathogenic or benign to our knowledge

NM_002693.3(POLG):c.653C>G (p.Ser218Trp)

Genes: POLG (DNA polymerase gamma, catalytic subunit; minus strand), POLGARF (POLG alternative reading frame; minus strand). Cytogenetic location: 15q26.1.
Variant type: single nucleotide variant.
Coding change: c.653C>G on transcript NM_002693.3 (MANE Select); coding-DNA position 653, C replaced by G.
Protein change: p.Ser218Trp; replaces serine 218 with tryptophan.
Molecular consequence: missense variant.
Genome position (GRCh38, 1-based): chr15:89,333,102, G>C on the plus strand (C>G on the coding strand, the complement: POLG is on the minus strand). VCF-style: chr15-89333102-G-C. GRCh37 (hg19) VCF-style: chr15-89876333-G-C.
Other names: c.653C>G, p.Ser218Trp (NM_001126131.2); short protein forms S218W.
Identifiers: ClinVar variation 1810539 (VCV001810539.1), dbSNP rs1060500775, ClinGen allele CA393770155.